The following is an entry in ClinVar:

NM_000444.6(PHEX):c.2158G>A (p.Ala720Thr)

Genes: PHEX (phosphate regulating endopeptidase X-linked; plus strand), PTCHD1-AS (PTCHD1 and PHEX antisense RNA; minus strand). Cytogenetic location: Xp22.11.
Variant type: single nucleotide variant.
Coding change: c.2158G>A on transcript NM_000444.6 (MANE Select); coding-DNA position 2158, G replaced by A.
Protein change: p.Ala720Thr; replaces alanine 720 with threonine.
Molecular consequence: missense variant.
Genome position (GRCh38, 1-based): chrX:22,247,861, G>A. VCF-style: chrX-22247861-G-A. GRCh37 (hg19) VCF-style: chrX-22265978-G-A.
Other names: c.2081G>A, p.Cys694Tyr (NM_001282754.2); short protein forms C694Y, A720T.
Identifiers: ClinVar variation 2737129 (VCV002737129.4), dbSNP rs2518713644, ClinGen allele CA412575364.

ClinVar aggregate classification (germline): Pathogenic. Review status: criteria provided, multiple submitters, no conflicts (2 of 4 stars). 2 submissions from 2 submitters: Pathogenic (2). Last evaluated 2025-09-24.

Conditions:
PHEX-related disorder. Also called: PHEX-related condition.

Submissions (2):

Labcorp Genetics (formerly Invitae), Labcorp
Classification: Pathogenic. Last evaluated: 2025-09-24. Review status: criteria provided, single submitter. Criteria: Invitae Variant Classification Sherloc (09022015). Collection method: clinical testing. Allele origin: germline.
Comment: This sequence change replaces alanine, which is neutral and non-polar, with threonine, which is neutral and polar, at codon 720 of the PHEX protein (p.Ala720Thr). This variant is not present in population databases (gnomAD no frequency). This missense change has been observed in individuals with hypophosphatemic rickets (PMID: 9768674, 30682568). It has also been observed to segregate with disease in related individuals. ClinVar contains an entry for this variant (Variation ID: 2737129). Invitae Evidence Modeling of protein sequence and biophysical properties (such as structural, functional, and spatial information, amino acid conservation, physicochemical variation, residue mobility, and thermodynamic stability) indicates that this missense variant is expected to disrupt PHEX protein function with a positive predictive value of 80%. Experimental studies have shown that this missense change affects PHEX function (PMID: 12727977). For these reasons, this variant has been classified as Pathogenic.

Blueprint Genetics
Classification: Pathogenic for PHEX-related disorders. Last evaluated: 2021-10-05. Review status: criteria provided, single submitter. Criteria: ACMG Guidelines, 2015. Collection method: clinical testing. Allele origin: germline. Affected: yes. Observed: 1 variant allele.

Literature cited by the submitters: PubMed 9768674 (cited by Labcorp Genetics (formerly Invitae), Labcorp); PubMed 30682568 (cited by Labcorp Genetics (formerly Invitae), Labcorp); PubMed 12727977 (cited by Labcorp Genetics (formerly Invitae), Labcorp).